The following is an entry in ClinVar:

NM_002576.5(PAK1):c.1629C>G (p.Asn543Lys)

Gene: PAK1 (p21 (RAC1) activated kinase 1; minus strand). Cytogenetic location: 11q13.5.
Variant type: single nucleotide variant.
Coding change: c.1629C>G on transcript NM_002576.5 (MANE Select); coding-DNA position 1629, C replaced by G.
Protein change: p.Asn543Lys; replaces asparagine 543 with lysine.
Molecular consequence: missense variant. On other transcripts: 3 prime UTR variant (7), non-coding transcript variant (2), intron variant (1).
Genome position (GRCh38, 1-based): chr11:77,323,283, G>C on the plus strand (C>G on the coding strand, the complement: PAK1 is on the minus strand). VCF-style: chr11-77323283-G-C. GRCh37 (hg19) VCF-style: chr11-77034328-G-C.
Other names: c.*16C>G (NM_001128620.2, NM_001376268.1, NM_001376269.1 and 4 more transcripts); c.1650C>G, p.Asn550Lys (NM_001376272.1); c.1629C>G, p.Asn543Lys (NM_001376273.1, NM_001376274.1, NM_001376275.1 and 12 more transcripts); c.1506C>G, p.Asn502Lys (NM_001376290.1, NM_001376291.1); c.1491C>G, p.Asn497Lys (NM_001376292.1, NM_001376293.1); c.1482C>G, p.Asn494Lys (NM_001376294.1); c.1452C>G, p.Asn484Lys (NM_001376295.1); c.1380C>G, p.Asn460Lys (NM_001376301.1); and 3 more; short protein forms N445K, N447K, N460K, N484K, N494K, N497K, N502K, N543K.
Identifiers: ClinVar variation 3375179 (VCV003375179.1).
Genomic context (GRCh38, chr11:77,323,283, plus strand): 5'-GCATTTATCTCACAGAAGGCTTGGCACAATGAGGCTGGGGTGAGTGTGGTTTTAGTGATT[G>C]TTCTTTGTTGCCTCCTTAGCTGCAGCAATCAGTGGAGTGAGGCTGGAGAGGGGCTTGGCA-3'
Protein context (NP_002567.3, residues 533-545): LIAAAKEATK[Asn543Lys]NH

ClinVar aggregate classification (germline): Uncertain significance (1 of 4 stars; one submission).

gnomAD v4.1: 1 of 1,613,902 alleles (0.000062%); highest among the groups gnomAD compares: African/African-American, 0.0013%; no homozygotes.

Submission:

Women's Health and Genetics/Laboratory Corporation of America, LabCorp
Classification: Uncertain significance. Last evaluated: 2024-09-26. Review status: criteria provided, single submitter. Criteria: LabCorp Variant Classification Summary - May 2015. Collection method: clinical testing. Allele origin: germline.
Comment: Variant summary: PAK1 NM_001128620 c.*16C>G is located in the untranslated mRNA region downstream of the termination codon. This variant is also known as c.1629C>G p.Asn543Lys in alternative transcript NM_002576 and results in a conservative amino acid change in the encoded protein sequence. Three of four in-silico tools predict a benign effect of the variant on protein function. The variant was absent in 251208 control chromosomes. The available data on variant occurrences in the general population are insufficient to allow any conclusion about variant significance. To our knowledge, no occurrence of c.*16C>G in individuals affected with Intellectual Developmental Disorder With Macrocephaly, Seizures, And Speech Delay and no experimental evidence demonstrating its impact on protein function have been reported. No submitters have cited clinical-significance assessments for this variant to ClinVar. Based on the evidence outlined above, the variant was classified as uncertain significance.